The following is an entry in ClinVar:

NM_000628.5(IL10RB):c.646G>A (p.Glu216Lys)

Genes: IFNAR2-IL10RB (IFNAR2-IL10RB readthrough; plus strand), IL10RB (interleukin 10 receptor subunit beta; plus strand). Cytogenetic location: 21q22.11.
Variant type: single nucleotide variant.
Coding change: c.646G>A on transcript NM_000628.5 (MANE Select); coding-DNA position 646, G replaced by A.
Protein change: p.Glu216Lys; replaces glutamic acid 216 with lysine.
Molecular consequence: missense variant.
Genome position (GRCh38, 1-based): chr21:33,283,241, G>A. VCF-style: chr21-33283241-G-A. GRCh37 (hg19) VCF-style: chr21-34655546-G-A.
Other names: short protein forms E216K.
Identifiers: ClinVar variation 568167 (VCV000568167.14), dbSNP rs45469692, ClinGen allele CA10006187.

ClinVar aggregate classification (germline): Uncertain significance. Review status: criteria provided, multiple submitters, no conflicts (2 of 4 stars). 5 submissions from 5 submitters: Uncertain significance (5). Last evaluated 2024-11-27.

Conditions:
Inflammatory bowel disease 25. Also called: Inflammatory bowel disease 25, early onset, autosomal recessive. Identifiers: Orphanet 238569, MedGen C2675508, MONDO:0012941, OMIM 612567.
Hepatitis B virus, susceptibility to. Also called: HBV, SUSCEPTIBILITY TO. Identifiers: MedGen C1864880, MONDO:0012488, OMIM 610424.

Allele frequency attached by ClinVar (database versions not stated): gnomAD 0.00005 and 0.00006; TOPMed 0.00006; gnomAD exomes 0.00007 and 0.00010; ExAC 0.00010; 1000 Genomes Project 30x 0.00016; 1000 Genomes Project 0.00020.
gnomAD v4.1: 117 of 1,613,468 alleles (0.0073%); highest among the groups gnomAD compares: Middle Eastern, 0.089%; no homozygotes.

Submissions (8):

Blueprint Genetics
Classification: Uncertain significance. Last evaluated: 2024-11-27. Review status: criteria provided, single submitter. Criteria: ACMG Guidelines, 2015. Collection method: clinical testing. Allele origin: germline.

Revvity Omics, Revvity
Classification: Uncertain significance for Inflammatory bowel disease 25. Last evaluated: 2024-01-03. Review status: criteria provided, single submitter. Criteria: ACMG Guidelines, 2015. Collection method: clinical testing. Allele origin: germline.

Labcorp Genetics (formerly Invitae), Labcorp
Classification: Uncertain significance for Inflammatory bowel disease 25. Last evaluated: 2022-07-05. Review status: criteria provided, single submitter. Criteria: Invitae Variant Classification Sherloc (09022015). Collection method: clinical testing. Allele origin: germline.
Comment: This sequence change replaces glutamic acid, which is acidic and polar, with lysine, which is basic and polar, at codon 216 of the IL10RB protein (p.Glu216Lys). This variant is present in population databases (rs45469692, gnomAD 0.08%). This missense change has been observed in individual(s) with early onset inflammatory bowel disease (PMID: 29248579). ClinVar contains an entry for this variant (Variation ID: 568167). Algorithms developed to predict the effect of missense changes on protein structure and function (SIFT, PolyPhen-2, Align-GVGD) all suggest that this variant is likely to be tolerated. Algorithms developed to predict the effect of sequence changes on RNA splicing suggest that this variant may disrupt the consensus splice site. In summary, the available evidence is currently insufficient to determine the role of this variant in disease. Therefore, it has been classified as a Variant of Uncertain Significance.

Fulgent Genetics
Classification: Uncertain significance for Hepatitis B virus, susceptibility to; Inflammatory bowel disease 25. Last evaluated: 2021-11-15. Review status: criteria provided, single submitter. Criteria: ACMG Guidelines, 2015. Collection method: clinical testing. Allele origin: unknown.

Illumina Laboratory Services, Illumina
Classification: Uncertain significance for Inflammatory bowel disease 25. Last evaluated: 2018-01-13. Review status: criteria provided, single submitter. Criteria: ICSL Variant Classification Criteria 13 December 2019. Collection method: clinical testing. Allele origin: germline.

Dr. Peter K. Rogan Lab, Western University
No classification provided (evidence only). Condition: Melanoma. Review status: no classification provided. Collection method: in vitro. Allele origin: not applicable. Functional consequence: skipped exon, retained intron. Not counted in ClinVar's aggregate classification.

Dr. Peter K. Rogan Lab, Western University
No classification provided (evidence only). Condition: Uterine corpus endometrial carcinoma. Review status: no classification provided. Collection method: in vitro. Allele origin: not applicable. Functional consequence: skipped exon, retained intron. Not counted in ClinVar's aggregate classification.

Dr. Peter K. Rogan Lab, Western University
No classification provided (evidence only). Condition: Sarcoma. Review status: no classification provided. Collection method: in vitro. Allele origin: not applicable. Functional consequence: skipped exon, retained intron. Not counted in ClinVar's aggregate classification.

Literature cited by the submitters: PubMed 29248579 (cited by Labcorp Genetics (formerly Invitae), Labcorp).